The following is an entry in ClinVar:

ClinVar aggregate classification (germline): Pathogenic. Review status: reviewed by expert panel (3 of 4 stars). 3 submissions from 3 submitters: Pathogenic (1). 2 of the submissions do not count toward it. Last evaluated 2025-01-30.

Conditions:
Cone-rod dystrophy 6 (CORD6). Also called: Cone dystrophy progressive; RETINAL CONE DYSTROPHY 2. Identifiers: Orphanet 1872, MedGen C1866293, MONDO:0011143, OMIM 601777.
Leber congenital amaurosis 1 (LCA1). Also called: RETINAL BLINDNESS, CONGENITAL; AMAUROSIS CONGENITA OF LEBER I; Congenital absence of the rods and cones; Leber's congenital tapetoretinal degeneration; Leber's congenital tapetoretinal dysplasia. Identifiers: Orphanet 65, MedGen C2931258, MONDO:0008764, OMIM 204000.
GUCY2D-related recessive retinopathy. Also called: Recessive GUCY2D retinopathy. Identifiers: MedGen CN305603, MONDO:0100453.

Submissions (3):

ClinGen Leber Congenital Amaurosis/early Onset Retinal Dystrophy Variant Curation Expert Panel, ClinGen
Classification: Pathogenic for GUCY2D-related recessive retinopathy. Last evaluated: 2025-01-30. Review status: reviewed by expert panel. Criteria: ClinGen LCAeoRD ACMG Specifications GUCY2D V1.0.0. Collection method: curation. Allele origin: germline. Inheritance: Autosomal recessive inheritance.
Comment: NM_000180.4(GUCY2D):c.1245del (p.Phe415Leufs*73) is a loss of function variant in which the deletion of a T at c.1245 in exon 4 of 20 causes a frameshift and early termination 73 codons after p.Phe415. This premature stop codon is predicted to lead to nonsense mediated decay in a gene in which loss-of-function is an established mechanism of disease (PVS1). This variant is absent from gnomAD v. 4.1.0 (PM2_Supporting). The variant has been reported to segregate with LCA through the proband plus 1 similarly affected relative, with the variant present in the compound heterozygous state (PP1; PMID: 32865313). The patient's phenotype or family history is highly specific for the gene, with at least one proband harboring this variant exhibiting a phenotype including a diagnosis of LCA / eoRD (0.5pts), previous genetic testing that did not provide an alternative explanation for visual impairment (2 pts), symptomatic onset between birth and 5 years (1 pt), nystagmus (1 pt), decreased peripheral vision (1 pt), and decreased central vision (1 pt) which together are specific for GUCY2D-related recessive retinopathy (6.5 total points, PMID: 32865313, PP4). In summary, this variant meets the criteria to be classified as pathogenic for GUCY2D-related recessive retinopathy based on the ACMG/AMP criteria applied, as specified by the ClinGen LCA/eoRD VCEP: PVS1, PM2_Supporting, PP1, and PP4. (VCEP specifications version 1.0.0; date of approval 01/22/2025).

Labcorp Genetics (formerly Invitae), Labcorp
Classification: Pathogenic for Leber congenital amaurosis 1; Cone-rod dystrophy 6. Last evaluated: 2022-08-24. Review status: criteria provided, single submitter. Criteria: Invitae Variant Classification Sherloc (09022015). Collection method: clinical testing. Allele origin: germline. Not counted in ClinVar's aggregate classification.
Comment: This sequence change creates a premature translational stop signal (p.Phe415Leufs*73) in the GUCY2D gene. It is expected to result in an absent or disrupted protein product. Loss-of-function variants in GUCY2D are known to be pathogenic (PMID: 10951519, 11328726). This variant is not present in population databases (gnomAD no frequency). This premature translational stop signal has been observed in individual(s) with GUCY2D-related conditions (PMID: 32865313). ClinVar contains an entry for this variant (Variation ID: 803313). For these reasons, this variant has been classified as Pathogenic.

Mendelics
Classification: Pathogenic for Cone-rod dystrophy 6. Last evaluated: 2019-05-28. Review status: criteria provided, single submitter. Criteria: Mendelics Assertion Criteria 2017. Collection method: clinical testing. Allele origin: unknown. Not counted in ClinVar's aggregate classification.

Literature cited by the submitters: PubMed 10951519 (cited by Labcorp Genetics (formerly Invitae), Labcorp); PubMed 11328726 (cited by Labcorp Genetics (formerly Invitae), Labcorp); PubMed 32865313 (cited by Labcorp Genetics (formerly Invitae), Labcorp).

NM_000180.4(GUCY2D):c.1245del (p.Phe415fs)

Gene: GUCY2D (guanylate cyclase 2D, retinal; plus strand). Cytogenetic location: 17p13.1.
Variant type: Deletion.
Coding change: c.1245del on transcript NM_000180.4 (MANE Select); coding-DNA position 1245, one base deleted (T; older notation c.1245delT).
Protein change: p.Phe415fs; shifts the reading frame from phenylalanine 415.
Molecular consequence: frameshift variant.
Genome position (GRCh38, 1-based): chr17:8,006,581, T deleted; the last of 5 consecutive T bases (chr17:8,006,577-8,006,581); deleting any one gives the same sequence. VCF-style (leftmost placement, unchanged base first): chr17-8006576-CT-C. GRCh37 (hg19) VCF-style: chr17-7909894-CT-C.
Other names: NM_000180.4(GUCY2D):c.1245del; p.Phe415fs; short protein forms F415fs.
Identifiers: ClinVar variation 803313 (VCV000803313.6), dbSNP rs1598146173, ClinGen allele CA915949552.
Genomic context (GRCh38, chr17:8,006,576, plus strand): 5'-CTAGGAGGAGACGAGGAGCCCCCATTCGTGCTGCTAGACACGGACGCGGCGGGAGACCGG[CT>C]TTTTGCCACATACATGCTGGATCCTGCCCGGGGCTCCTTCCTCTCCGCCGGTACCCGGAT-3'